The following is an entry in ClinVar:

ClinVar aggregate classification (germline): Benign/Likely benign. Review status: criteria provided, multiple submitters, no conflicts (2 of 4 stars). 2 submissions from 2 submitters: Benign (1); Likely benign (1). Last evaluated 2024-03-06.

Allele frequency attached by ClinVar (database versions not stated): gnomAD 0.00003; TOPMed 0.00003.

Submissions (2):

Labcorp Genetics (formerly Invitae), Labcorp
Classification: Benign. Last evaluated: 2024-03-06. Review status: criteria provided, single submitter. Criteria: Invitae Variant Classification Sherloc (09022015). Collection method: clinical testing. Allele origin: germline.

CeGaT Center for Human Genetics Tuebingen
Classification: Likely benign. Last evaluated: 2023-01-01. Review status: criteria provided, single submitter. Criteria: CeGaT Center For Human Genetics Tuebingen Variant Classification Criteria Version 2. Collection method: clinical testing. Allele origin: germline. Affected: yes. Observed: 1 variant allele.
Comment: ARID1A: BP4, BP7

NM_006015.6(ARID1A):c.1101C>T (p.Ser367=)

Genes: ARID1A (AT-rich interaction domain 1A; plus strand), LOC129929837 (ATAC-STARR-seq lymphoblastoid silent region 489; plus strand). Cytogenetic location: 1p36.11.
Variant type: single nucleotide variant.
Coding change: c.1101C>T on transcript NM_006015.6 (MANE Select); coding-DNA position 1101, C replaced by T.
Protein change: p.Ser367=; no amino-acid change (serine 367 retained).
Molecular consequence: synonymous variant.
Genome position (GRCh38, 1-based): chr1:26,697,504, C>T. VCF-style: chr1-26697504-C-T. GRCh37 (hg19) VCF-style: chr1-27023995-C-T.
Other names: c.1101C>T, p.Ser367= (NM_139135.4).
Identifiers: ClinVar variation 2638529 (VCV002638529.26), dbSNP rs754320355, ClinGen allele CA706717.